The following is an entry in ClinVar:

NM_001142864.4(PIEZO1):c.525G>A (p.Thr175=)

Genes: HSALR1 (HSP90AB1 associated lncRNA 1; plus strand), PIEZO1 (piezo type mechanosensitive ion channel component 1 (Er blood group); minus strand). Cytogenetic location: 16q24.3.
Variant type: single nucleotide variant.
Coding change: c.525G>A on transcript NM_001142864.4 (MANE Select); coding-DNA position 525, G replaced by A.
Protein change: p.Thr175=; no amino-acid change (threonine 175 retained).
Molecular consequence: synonymous variant. On other transcripts: non-coding transcript variant (1).
Genome position (GRCh38, 1-based): chr16:88,738,677, C>T on the plus strand (G>A on the coding strand, the complement: PIEZO1 is on the minus strand). VCF-style: chr16-88738677-C-T. GRCh37 (hg19) VCF-style: chr16-88805085-C-T.
Identifiers: ClinVar variation 3388950 (VCV003388950.14).

ClinVar aggregate classification (germline): Likely benign (1 of 4 stars; one submission).

gnomAD v4.1: 14 of 1,535,022 alleles (0.00091%); highest among the groups gnomAD compares: African/African-American, 0.0027%; no homozygotes.

Submission:

CeGaT Center for Human Genetics Tuebingen
Classification: Likely benign. Last evaluated: 2024-10-01. Review status: criteria provided, single submitter. Criteria: CeGaT Center For Human Genetics Tuebingen Variant Classification Criteria Version 2. Collection method: clinical testing. Allele origin: germline. Affected: yes. Observed: 1 variant allele.
Comment: PIEZO1: BP4, BP7